The following is an entry in ClinVar:

ClinVar aggregate classification (germline): Pathogenic (1 of 4 stars; one submission).

Conditions:
Spastic paraplegia. Identifiers: MedGen C0037772, HP:0001258.

Allele frequency attached by ClinVar (database versions not stated): gnomAD exomes below 0.00001.
gnomAD v4.1: 2 of 1,608,702 alleles (0.00012%); highest among the groups gnomAD compares: Non-Finnish European, 0.00017%; no homozygotes.

Submission:

Labcorp Genetics (formerly Invitae), Labcorp
Classification: Pathogenic for Spastic paraplegia. Last evaluated: 2021-02-04. Review status: criteria provided, single submitter. Criteria: Invitae Variant Classification Sherloc (09022015). Collection method: clinical testing. Allele origin: germline.
Comment: This sequence change results in a premature translational stop signal in the SACS gene (p.Gln860*). While this is not anticipated to result in nonsense mediated decay, it is expected to disrupt the last 3720 amino acids of the SACS protein. This variant is not present in population databases (ExAC no frequency). This variant has not been reported in the literature in individuals with SACS-related conditions. This variant disrupts the C-terminus of the SACS protein. Other variant(s) that disrupt this region (p.Asn4549Asp, p.Glu4510Argfs*4) have been determined to be pathogenic (PMID: 21507954, 15156359, 29915382). This suggests that variants that disrupt this region of the protein are likely to be causative of disease. For these reasons, this variant has been classified as Pathogenic.

Literature cited by the submitters: PubMed 21507954; PubMed 15156359; PubMed 29915382.

NM_014363.6(SACS):c.2578C>T (p.Gln860Ter)

Gene: SACS (sacsin molecular chaperone; minus strand). Cytogenetic location: 13q12.12.
Variant type: single nucleotide variant.
Coding change: c.2578C>T on transcript NM_014363.6 (MANE Select); coding-DNA position 2578, C replaced by T.
Protein change: p.Gln860Ter; replaces glutamine 860 with a stop codon.
Molecular consequence: nonsense.
Genome position (GRCh38, 1-based): chr13:23,341,298, G>A on the plus strand (C>T on the coding strand, the complement: SACS is on the minus strand). VCF-style: chr13-23341298-G-A. GRCh37 (hg19) VCF-style: chr13-23915437-G-A.
Other names: c.2137C>T, p.Gln713Ter (NM_001278055.2); short protein forms Q713*, Q860*.
Identifiers: ClinVar variation 1076877 (VCV001076877.9), dbSNP rs76194641, ClinGen allele CA387538724.